The following is an entry in ClinVar:

ClinVar aggregate classification (germline): Uncertain significance (1 of 4 stars; one submission).

Conditions:
Mucopolysaccharidosis type 6 (MPS6). Also called: N-ACETYLGALACTOSAMINE-4-SULFATASE DEFICIENCY; MPS VI; MPS 6; Maroteaux Lamy syndrome; ARSB DEFICIENCY; ARYLSULFATASE B DEFICIENCY. Identifiers: Orphanet 583, MedGen C0026709, MONDO:0009661, OMIM 253200.

Submission:

Laboratory of Diagnosis and Therapy of Lysosomal Disorders, University of Padova
Classification: Uncertain significance for Mucopolysaccharidosis type 6. Last evaluated: 2018-01-01. Review status: criteria provided, single submitter. Criteria: ACMG Guidelines, 2015. Collection method: curation. Allele origin: germline. Affected: yes.
Comment: Absent from GnomAD (PM2)

Literature cited by the submitters: PubMed 23023219; PubMed 30118150.

NM_000046.5(ARSB):c.1457A>T (p.Asp486Val)

Gene: ARSB (arylsulfatase B; minus strand). Cytogenetic location: 5q14.1.
Variant type: single nucleotide variant.
Coding change: c.1457A>T on transcript NM_000046.5 (MANE Select); coding-DNA position 1457, A replaced by T.
Protein change: p.Asp486Val; replaces aspartic acid 486 with valine.
Molecular consequence: missense variant.
Genome position (GRCh38, 1-based): chr5:78,780,542, T>A on the plus strand (A>T on the coding strand, the complement: ARSB is on the minus strand). VCF-style: chr5-78780542-T-A. GRCh37 (hg19) VCF-style: chr5-78076365-T-A.
Other names: short protein forms D486V.
Identifiers: ClinVar variation 559714 (VCV000559714.1), dbSNP rs1554069670, ClinGen allele CA360339068.
Genomic context (GRCh38, chr5:78,780,542, plus strand): 5'-TGGTAGAACTGTAGGCGGGACAGGAGCTTTGTGACGATGTGAGGATATTCTCTGGACAGG[T>A]CATGTCTTTCTTCAGGGTCCCGATCAATATCAAAGAGCCAGAGGGTCTTGGTTGGTGGGT-3'
Protein context (NP_000037.2, residues 476-496): DIDRDPEERH[Asp486Val]LSREYPHIVT